The following is an entry in ClinVar:

NM_000222.3(KIT):c.62A>G (p.Gln21Arg)

Gene: KIT (KIT proto-oncogene, receptor tyrosine kinase; plus strand). Cytogenetic location: 4q12.
Variant type: single nucleotide variant.
Coding change: c.62A>G on transcript NM_000222.3 (MANE Select); coding-DNA position 62, A replaced by G.
Protein change: p.Gln21Arg; replaces glutamine 21 with arginine.
Molecular consequence: missense variant.
Genome position (GRCh38, 1-based): chr4:54,658,076, A>G. VCF-style: chr4-54658076-A-G. GRCh37 (hg19) VCF-style: chr4-55524243-A-G.
Other names: c.62A>G, p.Gln21Arg (NM_001093772.2, NM_001385284.1, NM_001385285.1 and 4 more transcripts); short protein forms Q21R.
Identifiers: ClinVar variation 458960 (VCV000458960.19), dbSNP rs931395990, ClinGen allele CA96859735.

ClinVar aggregate classification (germline): Conflicting classifications of pathogenicity. Review status: criteria provided, conflicting classifications (1 of 4 stars). 5 submissions from 5 submitters: Uncertain significance (4); Likely benign (1). Last evaluated 2026-06-26.

Conditions:
KIT-related disorder. Also called: KIT-related condition.
Hereditary cancer-predisposing syndrome. Also called: Tumor predisposition; Hereditary neoplastic syndrome; Neoplastic Syndromes, Hereditary; Hereditary Cancer Syndrome. Identifiers: Orphanet 140162, MedGen C0027672, MeSH D009386, MONDO:0015356.
Gastrointestinal stromal tumor. Also called: Gastrointestinal stromal tumor, somatic; Gastrointestinal stroma tumor. Identifiers: Orphanet 44890, MedGen C0238198, MeSH D046152, MONDO:0011719, OMIM 606764, HP:0100723.

Allele frequency attached by ClinVar (database versions not stated): gnomAD 0.00001; gnomAD exomes 0.00001; TOPMed 0.00001.
gnomAD v4.1: 12 of 1,613,708 alleles (0.00074%); highest among the groups gnomAD compares: Non-Finnish European, 0.00093%; no homozygotes.

Submissions (5):

PreventionGenetics, part of Exact Sciences
Classification: Uncertain significance for KIT-related condition. Last evaluated: 2026-06-26. Review status: criteria provided, single submitter. Criteria: ACMG Guidelines, 2015. Collection method: clinical testing. Allele origin: germline.
Comment: The KIT c.62A>G variant is predicted to result in the amino acid substitution p.Gln21Arg. To our knowledge, this variant has not been reported in the literature or in a large population database (gnomAD), indicating this variant is rare. This variant has conflicting classifications listed in ClinVar ranging from likely benign to uncertain (Variation ID: 458960). At this time, the clinical significance of this variant is uncertain due to the absence of conclusive functional and genetic evidence.

Labcorp Genetics (formerly Invitae), Labcorp
Classification: Uncertain significance for Gastrointestinal stromal tumor. Last evaluated: 2026-01-26. Review status: criteria provided, single submitter. Criteria: Invitae Variant Classification Sherloc (09022015). Collection method: clinical testing. Allele origin: germline.
Comment: This sequence change replaces glutamine, which is neutral and polar, with arginine, which is basic and polar, at codon 21 of the KIT protein (p.Gln21Arg). This variant is not present in population databases (gnomAD no frequency). This variant has not been reported in the literature in individuals affected with KIT-related conditions. ClinVar contains an entry for this variant (Variation ID: 458960). An algorithm developed to predict the effect of missense changes on protein structure and function (PolyPhen-2) suggests that this variant is likely to be tolerated. In summary, the available evidence is currently insufficient to determine the role of this variant in disease. Therefore, it has been classified as a Variant of Uncertain Significance.

Ambry Genetics
Classification: Likely benign for Hereditary cancer-predisposing syndrome. Last evaluated: 2025-02-21. Review status: criteria provided, single submitter. Criteria: Ambry Variant Classification Scheme 2023. Collection method: clinical testing. Allele origin: germline.

Baylor Genetics
Classification: Uncertain significance for Gastrointestinal stromal tumor. Last evaluated: 2024-03-18. Review status: criteria provided, single submitter. Criteria: ACMG Guidelines, 2015. Collection method: clinical testing. Allele origin: unknown.

GeneDx
Classification: Uncertain significance. Last evaluated: 2024-01-24. Review status: criteria provided, single submitter. Criteria: GeneDx Variant Classification Process June 2021. Collection method: clinical testing. Allele origin: germline. Affected: yes.
Comment: Not observed at significant frequency in large population cohorts (gnomAD); In silico analysis supports that this missense variant does not alter protein structure/function; Has not been previously published as pathogenic or benign to our knowledge